The following is an entry in ClinVar:

ClinVar aggregate classification (germline): Uncertain significance. Review status: criteria provided, multiple submitters, no conflicts (2 of 4 stars). 2 submissions from 2 submitters: Uncertain significance (2). Last evaluated 2023-04-28.

Conditions:
Glycine encephalopathy. Also called: Nonketotic hyperglycinemia; Non-ketotic hyperglycinemia. Identifiers: Orphanet 407, MedGen C0751748, MONDO:0011612, HP:0008288.

Allele frequency attached by ClinVar (database versions not stated): ExAC 0.00001; gnomAD 0.00002; TOPMed 0.00002.
gnomAD v4.1: 7 of 1,613,934 alleles (0.00043%); highest among the groups gnomAD compares: African/African-American, 0.0067%; no homozygotes.

Submissions (2):

GeneDx
Classification: Uncertain significance. Last evaluated: 2023-04-28. Review status: criteria provided, single submitter. Criteria: GeneDx Variant Classification Process June 2021. Collection method: clinical testing. Allele origin: germline. Affected: yes.
Comment: Not observed at significant frequency in large population cohorts (gnomAD); In silico analysis supports that this missense variant does not alter protein structure/function; Has not been previously published as pathogenic or benign to our knowledge

Labcorp Genetics (formerly Invitae), Labcorp
Classification: Uncertain significance for Glycine encephalopathy. Last evaluated: 2022-04-04. Review status: criteria provided, single submitter. Criteria: Invitae Variant Classification Sherloc (09022015). Collection method: clinical testing. Allele origin: germline.
Comment: This sequence change replaces leucine, which is neutral and non-polar, with valine, which is neutral and non-polar, at codon 916 of the GLDC protein (p.Leu916Val). This variant is present in population databases (rs773430894, gnomAD 0.007%). This variant has not been reported in the literature in individuals affected with GLDC-related conditions. Algorithms developed to predict the effect of missense changes on protein structure and function are either unavailable or do not agree on the potential impact of this missense change (SIFT: "Deleterious"; PolyPhen-2: "Benign"; Align-GVGD: "Class C0"). In summary, the available evidence is currently insufficient to determine the role of this variant in disease. Therefore, it has been classified as a Variant of Uncertain Significance.

NM_000170.3(GLDC):c.2746C>G (p.Leu916Val)

Gene: GLDC (glycine decarboxylase; minus strand). Cytogenetic location: 9p24.1.
Variant type: single nucleotide variant.
Coding change: c.2746C>G on transcript NM_000170.3 (MANE Select); coding-DNA position 2746, C replaced by G.
Protein change: p.Leu916Val; replaces leucine 916 with valine.
Molecular consequence: missense variant.
Genome position (GRCh38, 1-based): chr9:6,536,156, G>C on the plus strand (C>G on the coding strand, the complement: GLDC is on the minus strand). VCF-style: chr9-6536156-G-C. GRCh37 (hg19) VCF-style: chr9-6536156-G-C.
Other names: short protein forms L916V.
Identifiers: ClinVar variation 2181342 (VCV002181342.2), dbSNP rs773430894, ClinGen allele CA4980083.
Genomic context (GRCh38, chr9:6,536,156, plus strand): 5'-CCTCCTCAATGTCAGCAATTTCCTGCCGAATGCTGATCATGGCATCACAGAATCTGTCCA[G>C]CTCTGCCTTGTCCTCCGACTCAGTGGGCTCCACCATGAGGGTCCCTGCCACAGGCCAGGA-3'
Protein context (NP_000161.2, residues 906-926): EPTESEDKAE[Leu916Val]DRFCDAMISI